The following is an entry in ClinVar:

ClinVar aggregate classification (germline): Uncertain significance (1 of 4 stars; one submission).

Conditions:
Myofibrillar myopathy 6. Identifiers: Orphanet 199340, MedGen C2751831, MONDO:0013061, OMIM 612954.
Dilated cardiomyopathy 1HH (CMD1HH). Identifiers: Orphanet 154, MedGen C3151293, MONDO:0013479, OMIM 613881.

gnomAD v4.1: 1 of 1,610,676 alleles (0.000062%); highest among the groups gnomAD compares: South Asian, 0.0011%; no homozygotes.

Submission:

Labcorp Genetics (formerly Invitae), Labcorp
Classification: Uncertain significance for Dilated cardiomyopathy 1HH; Myofibrillar myopathy 6. Last evaluated: 2022-01-26. Review status: criteria provided, single submitter. Criteria: Invitae Variant Classification Sherloc (09022015). Collection method: clinical testing. Allele origin: germline.
Comment: In summary, the available evidence is currently insufficient to determine the role of this variant in disease. Therefore, it has been classified as a Variant of Uncertain Significance. Algorithms developed to predict the effect of missense changes on protein structure and function are either unavailable or do not agree on the potential impact of this missense change (SIFT: "Tolerated"; PolyPhen-2: "Possibly Damaging"; Align-GVGD: "Class C0"). This variant has not been reported in the literature in individuals affected with BAG3-related conditions. This variant is not present in population databases (gnomAD no frequency). This sequence change replaces alanine, which is neutral and non-polar, with serine, which is neutral and polar, at codon 164 of the BAG3 protein (p.Ala164Ser).

NM_004281.4(BAG3):c.490G>T (p.Ala164Ser)

Gene: BAG3 (BAG cochaperone 3; plus strand). Cytogenetic location: 10q26.11.
Variant type: single nucleotide variant.
Coding change: c.490G>T on transcript NM_004281.4 (MANE Select); coding-DNA position 490, G replaced by T.
Protein change: p.Ala164Ser; replaces alanine 164 with serine.
Molecular consequence: missense variant.
Genome position (GRCh38, 1-based): chr10:119,670,160, G>T. VCF-style: chr10-119670160-G-T. GRCh37 (hg19) VCF-style: chr10-121429672-G-T.
Other names: short protein forms A164S.
Identifiers: ClinVar variation 2160296 (VCV002160296.4), dbSNP rs1847128945, ClinGen allele CA378295192.